The following is an entry in ClinVar:

NM_001379081.2(FREM1):c.4421C>T (p.Thr1474Ile)

Gene: FREM1 (FRAS1 related extracellular matrix 1; minus strand). Cytogenetic location: 9p22.3.
Variant type: single nucleotide variant.
Coding change: c.4421C>T on transcript NM_001379081.2 (MANE Select); coding-DNA position 4421, C replaced by T.
Protein change: p.Thr1474Ile; replaces threonine 1474 with isoleucine.
Molecular consequence: missense variant. On other transcripts: non-coding transcript variant (1).
Genome position (GRCh38, 1-based): chr9:14,784,391, G>A on the plus strand (C>T on the coding strand, the complement: FREM1 is on the minus strand). VCF-style: chr9-14784391-G-A. GRCh37 (hg19) VCF-style: chr9-14784389-G-A.
Other names: p.Thr1474Ile; c.4421C>T, p.Thr1474Ile (NM_144966.7); short protein forms T1474I.
Identifiers: ClinVar variation 366122 (VCV000366122.17), dbSNP rs41265306, ClinGen allele CA4990192.
Genomic context (GRCh38, chr9:14,784,391, plus strand): 5'-ATCCAAAGAAGGGGTTTGAAAAGTTTCCATGGGGCTCACCTGAATCTGTCACTGGAGACA[G>A]TCACCTTGCTCTTGTGTACATAGCAAACTGTCTGCCCCACTACATCCATTTGGCTGAAGT-3'
Protein context (NP_001366010.1, residues 1464-1484): TVCYVHKSKV[Thr1474Ile]VSSDRFRFII

ClinVar aggregate classification (germline): Benign/Likely benign. Review status: criteria provided, multiple submitters, no conflicts (2 of 4 stars). 6 submissions from 6 submitters: Benign (5); Likely benign (1). Last evaluated 2026-02-03.

Conditions:
Oculotrichoanal syndrome (MOTA). Also called: MARLES SYNDROME; Manitoba Oculotrichoanal (MOTA) Syndrome. Identifiers: Orphanet 2717, MedGen C1855425, MONDO:0009560, OMIM 248450.

Allele frequency attached by ClinVar (database versions not stated): ESP Exome Variant Server 0.05998; gnomAD 0.06244 and 0.06329; TOPMed 0.07087; 1000 Genomes Project 0.08107; 1000 Genomes Project 30x 0.08292.

Submissions (6):

Labcorp Genetics (formerly Invitae), Labcorp
Classification: Benign. Last evaluated: 2026-02-03. Review status: criteria provided, single submitter. Criteria: Invitae Variant Classification Sherloc (09022015). Collection method: clinical testing. Allele origin: germline.

Blueprint Genetics
Classification: Likely benign. Last evaluated: 2024-11-27. Review status: criteria provided, single submitter. Criteria: ACMG Guidelines, 2015. Collection method: clinical testing. Allele origin: germline.

Mayo Clinic Laboratories, Mayo Clinic
Classification: Benign. Last evaluated: 2022-03-09. Review status: criteria provided, single submitter. Criteria: ACMG Guidelines, 2015. Collection method: clinical testing. Allele origin: germline. Observed: 11 variant alleles.

GeneDx
Classification: Benign. Last evaluated: 2020-07-08. Review status: criteria provided, single submitter. Criteria: GeneDx Variant Classification Process June 2021. Collection method: clinical testing. Allele origin: germline. Affected: yes.

Illumina Laboratory Services, Illumina
Classification: Benign for Oculotrichoanal syndrome. Last evaluated: 2018-01-12. Review status: criteria provided, single submitter. Criteria: ICSL Variant Classification Criteria 13 December 2019. Collection method: clinical testing. Allele origin: germline.
Comment: This variant was observed in the ICSL laboratory as part of a predisposition screen in an ostensibly healthy population. It had not been previously curated by ICSL or reported in the Human Gene Mutation Database (HGMD: prior to June 1st, 2018), and was therefore a candidate for classification through an automated scoring system. Utilizing variant allele frequency, disease prevalence and penetrance estimates, and inheritance mode, an automated score was calculated to assess if this variant is too frequent to cause the disease. Based on the score and internal cut-off values, a variant classified as benign is not then subjected to further curation. The score for this variant resulted in a classification of benign for this disease.

Breakthrough Genomics
Classification: Benign. Review status: criteria provided, single submitter. Criteria: ACMG Guidelines, 2015. Collection method: not provided. Allele origin: germline. Inheritance: Autosomal recessive inheritance. Affected: yes.